The following is an entry in ClinVar:

NM_001370298.3(FGD4):c.167-29719A>G

Gene: FGD4 (FYVE, RhoGEF and PH domain containing 4; plus strand). Cytogenetic location: 12p11.21.
Variant type: single nucleotide variant.
Coding change: c.167-29719A>G on transcript NM_001370298.3 (MANE Select); 29719 bases into the intron before coding-DNA position 167, A replaced by G.
Molecular consequence: intron variant. On other transcripts: 5 prime UTR variant (4).
Genome position (GRCh38, 1-based): chr12:32,534,418, A>G. VCF-style: chr12-32534418-A-G. GRCh37 (hg19) VCF-style: chr12-32687352-A-G.
Other names: NM_001304480.1:c.11A>G; c.-326A>G (NM_001384128.1, NM_001384132.1, NM_001385118.1); c.-421A>G (NM_001384130.1); c.167-29719A>G (NM_001384126.1); c.11-29719A>G (NM_001304481.2); c.-340-29719A>G (NM_001330374.2, NM_001330373.2); c.-245-29719A>G (NM_139241.3, NM_001384127.1, NM_001384131.1); c.-1396-29719A>G (NM_001304484.2); and 2 more.
Identifiers: ClinVar variation 1284800 (VCV001284800.5), dbSNP rs17537634, ClinGen allele CA6506522.

ClinVar aggregate classification (germline): Benign. Review status: criteria provided, single submitter (1 of 4 stars). 4 submissions from 4 submitters: Benign (1). 3 of the submissions do not count toward it.

Conditions:
FGD4-related disorder. Also called: FGD4-related condition.

Allele frequency attached by ClinVar (database versions not stated): TOPMed 0.01550; gnomAD 0.01912; gnomAD exomes 0.02270 and 0.02760; 1000 Genomes Project 30x 0.02858; 1000 Genomes Project 0.03155; ExAC 0.07687.
gnomAD v4.1: 34,278 of 1,518,204 alleles (2.3%); highest among the groups gnomAD compares: South Asian, 7.3%; 641 homozygotes.

Submissions (4):

Breakthrough Genomics
Classification: Benign. Review status: criteria provided, single submitter. Criteria: ACMG Guidelines, 2015. Collection method: not provided. Allele origin: germline. Inheritance: Autosomal recessive inheritance. Affected: yes.

PreventionGenetics, part of Exact Sciences
Classification: Benign for FGD4-related condition. Last evaluated: 2019-03-18. Review status: no assertion criteria provided. Collection method: clinical testing. Allele origin: germline. Not counted in ClinVar's aggregate classification.
Comment: This variant is classified as benign based on ACMG/AMP sequence variant interpretation guidelines (Richards et al. 2015 PMID: 25741868, with internal and published modifications).

Clinical Genetics, Academic Medical Center
Classification: Benign. Review status: no assertion criteria provided. Collection method: clinical testing. Allele origin: germline. Affected: yes. Study: VKGL Data-share Consensus. Not counted in ClinVar's aggregate classification.

Genome Diagnostics Laboratory, University Medical Center Utrecht
Classification: Benign. Review status: no assertion criteria provided. Collection method: clinical testing. Allele origin: germline. Affected: yes. Study: VKGL Data-share Consensus. Not counted in ClinVar's aggregate classification.